The following is an entry in ClinVar:

ClinVar aggregate classification (germline): Uncertain significance (1 of 4 stars; one submission).

Conditions:
Cardiovascular phenotype. Identifiers: MedGen CN230736.

Submission:

Ambry Genetics
Classification: Uncertain significance for Cardiovascular phenotype. Last evaluated: 2025-09-04. Review status: criteria provided, single submitter. Criteria: Ambry Variant Classification Scheme 2023. Collection method: clinical testing. Allele origin: germline.
Comment: The p.K1225R variant (also known as c.3674A>G), located in coding exon 14 of the RBM20 gene, results from an A to G substitution at nucleotide position 3674. The lysine at codon 1225 is replaced by arginine, an amino acid with highly similar properties. This amino acid position is conserved. In addition, this alteration is predicted to be tolerated by in silico analysis. Based on the available evidence, the clinical significance of this variant remains unclear.

NM_001134363.3(RBM20):c.3674A>G (p.Lys1225Arg)

Gene: RBM20 (RNA binding motif protein 20; plus strand). Cytogenetic location: 10q25.2.
Variant type: single nucleotide variant.
Coding change: c.3674A>G on transcript NM_001134363.3 (MANE Select); coding-DNA position 3674, A replaced by G.
Protein change: p.Lys1225Arg; replaces lysine 1225 with arginine.
Molecular consequence: missense variant.
Genome position (GRCh38, 1-based): chr10:110,835,968, A>G. VCF-style: chr10-110835968-A-G. GRCh37 (hg19) VCF-style: chr10-112595726-A-G.
Other names: short protein forms K1225R.
Identifiers: ClinVar variation 4151600 (VCV004151600.1).